The following is an entry in ClinVar:

ClinVar aggregate classification (germline): Likely pathogenic (1 of 4 stars; one submission).

Conditions:
Episodic ataxia type 2 (EA2). Also called: CEREBELLAR ATAXIA, PAROXYSMAL, ACETAZOLAMIDE-RESPONSIVE; CEREBELLOPATHY, HEREDITARY PAROXYSMAL; EPISODIC ATAXIA, NYSTAGMUS-ASSOCIATED; ACETAZOLAMIDE-RESPONSIVE HEREDITARY PAROXYSMAL CEREBELLAR ATAXIA; ATAXIA, EPISODIC, WITH NYSTAGMUS; ATAXIA, FAMILIAL PAROXYSMAL. Identifiers: Orphanet 97, MedGen C1720416, MONDO:0007163, OMIM 108500.
Developmental and epileptic encephalopathy, 42 (DEE42A). Also called: Epileptic encephalopathy, early infantile, 42; DEVELOPMENTAL AND EPILEPTIC ENCEPHALOPATHY 42A; EPILEPTIC ENCEPHALOPATHY, EARLY INFANTILE, 42A. Identifiers: MedGen C4310716, MONDO:0014917, OMIM 617106.

Submission:

Labcorp Genetics (formerly Invitae), Labcorp
Classification: Likely pathogenic for Developmental and epileptic encephalopathy, 42; Episodic ataxia type 2. Last evaluated: 2023-02-14. Review status: criteria provided, single submitter. Criteria: Invitae Variant Classification Sherloc (09022015). Collection method: clinical testing. Allele origin: germline.
Comment: This sequence change replaces isoleucine, which is neutral and non-polar, with valine, which is neutral and non-polar, at codon 1810 of the CACNA1A protein (p.Ile1810Val). This variant is not present in population databases (gnomAD no frequency). This variant has not been reported in the literature in individuals affected with CACNA1A-related conditions. Advanced modeling of protein sequence and biophysical properties (such as structural, functional, and spatial information, amino acid conservation, physicochemical variation, residue mobility, and thermodynamic stability) performed at Invitae indicates that this missense variant is expected to disrupt CACNA1A protein function. This variant disrupts the p.Ile1810 amino acid residue in CACNA1A. Other variant(s) that disrupt this residue have been determined to be pathogenic (PMID: 8898206, 9488686, 10024348, 12235360). This suggests that this residue is clinically significant, and that variants that disrupt this residue are likely to be disease-causing. In summary, the currently available evidence indicates that the variant is pathogenic, but additional data are needed to prove that conclusively. Therefore, this variant has been classified as Likely Pathogenic.

Literature cited by the submitters: PubMed 8898206; PubMed 9488686; PubMed 10024348; PubMed 12235360.

NM_001127222.2(CACNA1A):c.5425A>G (p.Ile1809Val)

Gene: CACNA1A (calcium voltage-gated channel subunit alpha1 A; minus strand). Cytogenetic location: 19p13.13.
Variant type: single nucleotide variant.
Coding change: c.5425A>G on transcript NM_001127222.2 (MANE Select); coding-DNA position 5425, A replaced by G.
Protein change: p.Ile1809Val; replaces isoleucine 1809 with valine.
Molecular consequence: missense variant.
Genome position (GRCh38, 1-based): chr19:13,230,185, T>C on the plus strand (A>G on the coding strand, the complement: CACNA1A is on the minus strand). VCF-style: chr19-13230185-T-C. GRCh37 (hg19) VCF-style: chr19-13340999-T-C.
Other names: c.5443A>G, p.Ile1815Val (NM_000068.4, NM_023035.3); c.5428A>G, p.Ile1810Val (NM_001127221.2); c.5434A>G, p.Ile1812Val (NM_001174080.2); short protein forms I1815V, I1809V, I1810V, I1812V.
Identifiers: ClinVar variation 2942672 (VCV002942672.3), dbSNP rs121908214, ClinGen allele CA404333750.